The following is an entry in ClinVar:

NM_000089.4(COL1A2):c.1764+1G>T

Gene: COL1A2 (collagen type I alpha 2 chain; plus strand). Cytogenetic location: 7q21.3.
Variant type: single nucleotide variant.
Coding change: c.1764+1G>T on transcript NM_000089.4 (MANE Select); the canonical splice donor site of the intron after coding-DNA position 1764, G replaced by T.
Molecular consequence: splice donor variant.
Genome position (GRCh38, 1-based): chr7:94,415,271, G>T. VCF-style: chr7-94415271-G-T. GRCh37 (hg19) VCF-style: chr7-94044583-G-T.
Identifiers: ClinVar variation 859062 (VCV000859062.1), dbSNP rs72658140, ClinGen allele CA368222549.

ClinVar aggregate classification (germline): Likely pathogenic (1 of 4 stars; one submission).

Conditions:
Ehlers-Danlos syndrome, classic type (cEDS). Identifiers: Orphanet 287, MedGen C4225429, MONDO:0007522.
Osteogenesis imperfecta type I (OI1). Also called: OI, TYPE I; OSTEOGENESIS IMPERFECTA TARDA; OSTEOGENESIS IMPERFECTA WITH BLUE SCLERAE; Osteogenesis imperfecta type 1; Lobstein disease; Lobstein's Disease. Identifiers: Orphanet 216796, Orphanet 666, MedGen C0023931, MONDO:0008146, OMIM 166200. Disease mechanism: loss of function.

Submission:

Labcorp Genetics (formerly Invitae), Labcorp
Classification: Likely pathogenic for Osteogenesis imperfecta type I; Ehlers-Danlos syndrome, type 1. Last evaluated: 2019-05-04. Review status: criteria provided, single submitter. Criteria: Invitae Variant Classification Sherloc (09022015). Collection method: clinical testing. Allele origin: germline.
Comment: This sequence change affects a donor splice site in intron 30 of the COL1A2 gene. It is expected to disrupt RNA splicing and likely results in an absent or disrupted protein product. This variant is not present in population databases (ExAC no frequency). Disruption of this splice site has been observed in an individual affected with osteogenesis imperfecta (PMID: 17078022). Algorithms developed to predict the effect of sequence changes on RNA splicing suggest that this variant may disrupt the consensus splice site, but this prediction has not been confirmed by published transcriptional studies. Donor and acceptor splice site variants typically lead to a loss of protein function (PMID: 16199547), and loss-of-function variants in COL1A2 are known to be pathogenic (PMID: 2993307, 3372533, 6092353, 11288717, 15077201, 16816023, 27510842). In summary, the currently available evidence indicates that the variant is pathogenic, but additional data are needed to prove that conclusively. Therefore, this variant has been classified as Likely Pathogenic.

Literature cited by the submitters: PubMed 16816023; PubMed 2993307; PubMed 3372533; PubMed 27510842; PubMed 17078022; PubMed 11288717; PubMed 6092353; PubMed 15077201.